The following is an entry in ClinVar:

ClinVar aggregate classification (germline): Uncertain significance (1 of 4 stars; one submission).

Conditions:
Progressive sclerosing poliodystrophy (MTDPS4A). Also called: NEURONAL DEGENERATION OF CHILDHOOD WITH LIVER DISEASE, PROGRESSIVE; ALPERS PROGRESSIVE INFANTILE POLIODYSTROPHY; Mitochondrial DNA Depletion Syndrome 4A; Alpers-Huttenlocher Syndrome (AHS); Alpers Syndrome; ALPERS DIFFUSE DEGENERATION OF CEREBRAL GRAY MATTER WITH HEPATIC CIRRHOSIS. Identifiers: Orphanet 726, MedGen C0205710, MONDO:0008758, OMIM 203700.

gnomAD v4.1: 2 of 1,613,732 alleles (0.00012%); highest among the groups gnomAD compares: Non-Finnish European, 0.00017%; no homozygotes.

Submission:

Labcorp Genetics (formerly Invitae), Labcorp
Classification: Uncertain significance for Progressive sclerosing poliodystrophy. Last evaluated: 2024-06-26. Review status: criteria provided, single submitter. Criteria: Invitae Variant Classification Sherloc (09022015). Collection method: clinical testing. Allele origin: germline.
Comment: This sequence change replaces glycine, which is neutral and non-polar, with arginine, which is basic and polar, at codon 426 of the POLG protein (p.Gly426Arg). This variant is present in population databases (rs775576189, gnomAD 0.0009%). This variant has not been reported in the literature in individuals affected with POLG-related conditions. ClinVar contains an entry for this variant (Variation ID: 937397). Advanced modeling of protein sequence and biophysical properties (such as structural, functional, and spatial information, amino acid conservation, physicochemical variation, residue mobility, and thermodynamic stability) performed at Invitae indicates that this missense variant is expected to disrupt POLG protein function with a positive predictive value of 95%. In summary, the available evidence is currently insufficient to determine the role of this variant in disease. Therefore, it has been classified as a Variant of Uncertain Significance.

NM_002693.3(POLG):c.1276G>C (p.Gly426Arg)

Gene: POLG (DNA polymerase gamma, catalytic subunit; minus strand). Cytogenetic location: 15q26.1.
Variant type: single nucleotide variant.
Coding change: c.1276G>C on transcript NM_002693.3 (MANE Select); coding-DNA position 1276, G replaced by C.
Protein change: p.Gly426Arg; replaces glycine 426 with arginine.
Molecular consequence: missense variant.
Genome position (GRCh38, 1-based): chr15:89,327,324, C>G on the plus strand (G>C on the coding strand, the complement: POLG is on the minus strand). VCF-style: chr15-89327324-C-G. GRCh37 (hg19) VCF-style: chr15-89870555-C-G.
Other names: c.1276G>C, p.Gly426Arg (NM_001126131.2); short protein forms G426R.
Identifiers: ClinVar variation 937397 (VCV000937397.10), dbSNP rs775576189, ClinGen allele CA7724885.